The following is an entry in ClinVar:

ClinVar aggregate classification (germline): Likely benign (0 of 4 stars; one submission).

Conditions:
OGDH-related disorder. Also called: OGDH-related condition.

Allele frequency attached by ClinVar (database versions not stated): gnomAD exomes 0.00001; ExAC 0.00003; TOPMed 0.00019; gnomAD 0.00020.

Submission:

PreventionGenetics, part of Exact Sciences
Classification: Likely benign for OGDH-related condition. Last evaluated: 2019-11-26. Review status: no assertion criteria provided. Collection method: clinical testing. Allele origin: germline.
Comment: This variant is classified as likely benign based on ACMG/AMP sequence variant interpretation guidelines (Richards et al. 2015 PMID: 25741868, with internal and published modifications).

NM_002541.4(OGDH):c.2051+9del

Gene: OGDH (oxoglutarate dehydrogenase; plus strand). Cytogenetic location: 7p13.
Variant type: Deletion.
Coding change: c.2051+9del on transcript NM_002541.4 (MANE Select); 9 bases into the intron after coding-DNA position 2051, one base deleted (C; older notation c.2051+9delC).
Molecular consequence: intron variant.
Genome position (GRCh38, 1-based): chr7:44,697,073, C deleted. VCF-style (leftmost placement, unchanged base first): chr7-44697072-TC-T. GRCh37 (hg19) VCF-style: chr7-44736671-TC-T.
Other names: c.2084+9del (NM_001363523.2); c.2039+9del (NM_001165036.2).
Identifiers: ClinVar variation 3048295 (VCV003048295.2), dbSNP rs771295157, ClinGen allele CA4244009.